The following is an entry in ClinVar:

ClinVar aggregate classification (germline): Uncertain significance (1 of 4 stars; one submission).

Conditions:
Gorlin syndrome. Also called: Nevoid Basal Cell Carcinoma Syndrome; Basal cell nevus syndrome. Identifiers: Orphanet 377, MedGen C0004779, MONDO:0007187.

Submission:

St. Jude Molecular Pathology, St. Jude Children's Research Hospital
Classification: Uncertain significance for Basal cell nevus syndrome 1. Last evaluated: 2022-12-08. Review status: criteria provided, single submitter. Criteria: St. Jude Assertion Criteria 2020. Collection method: clinical testing. Allele origin: germline.
Comment: The PTCH2 c.2416A>G (p.Thr806Ala) missense change is absent in gnomAD v2.1.1. The in silico tool REVEL is inconclusive about a pathogenic or benign effect of this variant on protein function, and to our knowledge functional studies have not been performed. To our knowledge, this variant has not been reported in individuals with nevoid basal cell carcinoma syndrome.  In summary, the evidence currently available is insufficient to determine the clinical significance of this variant. It has therefore been classified as of uncertain significance.

NM_003738.5(PTCH2):c.2416A>G (p.Thr806Ala)

Gene: PTCH2 (patched 2; minus strand). Cytogenetic location: 1p34.1.
Variant type: single nucleotide variant.
Coding change: c.2416A>G on transcript NM_003738.5 (MANE Select); coding-DNA position 2416, A replaced by G.
Protein change: p.Thr806Ala; replaces threonine 806 with alanine.
Molecular consequence: missense variant.
Genome position (GRCh38, 1-based): chr1:44,827,265, T>C on the plus strand (A>G on the coding strand, the complement: PTCH2 is on the minus strand). VCF-style: chr1-44827265-T-C. GRCh37 (hg19) VCF-style: chr1-45292937-T-C.
Other names: c.2416A>G, p.Thr806Ala (NM_001166292.2); short protein forms T806A.
Identifiers: ClinVar variation 2444862 (VCV002444862.1), dbSNP rs748201667, ClinGen allele CA340095479.